The following is an entry in ClinVar:

NM_001378328.1(CELSR1):c.7012G>A (p.Val2338Ile)

Gene: CELSR1 (cadherin EGF LAG seven-pass G-type receptor 1; minus strand). Cytogenetic location: 22q13.31.
Variant type: single nucleotide variant.
Coding change: c.7012G>A on transcript NM_001378328.1 (MANE Select); coding-DNA position 7012, G replaced by A.
Protein change: p.Val2338Ile; replaces valine 2338 with isoleucine.
Molecular consequence: missense variant.
Genome position (GRCh38, 1-based): chr22:46,381,922, C>T on the plus strand (G>A on the coding strand, the complement: CELSR1 is on the minus strand). VCF-style: chr22-46381922-C-T. GRCh37 (hg19) VCF-style: chr22-46777819-C-T.
Other names: c.7012G>A, p.Val2338Ile (NM_014246.4); short protein forms V2338I.
Identifiers: ClinVar variation 3490069 (VCV003490069.2).

ClinVar aggregate classification (germline): Uncertain significance. Review status: criteria provided, multiple submitters, no conflicts (2 of 4 stars). 2 submissions from 2 submitters: Uncertain significance (2). Last evaluated 2025-07-03.

Conditions:
Moderate NDD.

gnomAD v4.1: 17 of 1,572,322 alleles (0.0011%); highest among the groups gnomAD compares: Admixed American, 0.0073%; no homozygotes.

Submissions (2):

Genetics and Personalized Medicine, Danish Epilepsy Center
Classification: Uncertain significance for Moderate NDD. Last evaluated: 2025-07-03. Review status: criteria provided, single submitter. Criteria: ACMG Guidelines, 2015. Collection method: clinical testing. Allele origin: paternal. Inheritance: Autosomal recessive inheritance. Affected: yes.
Comment: PM1, PM2, PP4, BP4

Ambry Genetics
Classification: Uncertain significance. Last evaluated: 2024-09-05. Review status: criteria provided, single submitter. Criteria: Ambry Variant Classification Scheme 2023. Collection method: clinical testing. Allele origin: germline.